The following is an entry in ClinVar:

NM_130384.3(ATRIP):c.830-2A>G

Genes: ATRIP (ATR interacting protein; plus strand), ATRIP-TREX1 (ATRIP-TREX1 readthrough; plus strand). Cytogenetic location: 3p21.31.
Variant type: single nucleotide variant.
Coding change: c.830-2A>G on transcript NM_130384.3 (MANE Select); the canonical splice acceptor site of the intron before coding-DNA position 830, A replaced by G.
Molecular consequence: splice acceptor variant.
Genome position (GRCh38, 1-based): chr3:48,459,357, A>G. VCF-style: chr3-48459357-A-G. GRCh37 (hg19) VCF-style: chr3-48500756-A-G.
Other names: c.830-2A>G (NM_032166.4); c.449-2A>G (NM_001271022.2); c.551-2A>G (NM_001271023.2).
Identifiers: ClinVar variation 4867185 (VCV004867185.1).

ClinVar aggregate classification (germline): Uncertain significance (1 of 4 stars; one submission).

gnomAD v4.1: 1 of 1,613,060 alleles (0.000062%); highest among the groups gnomAD compares: Non-Finnish European, 0.000085%; no homozygotes.

Submission:

Ambry Genetics
Classification: Uncertain significance. Last evaluated: 2026-03-19. Review status: criteria provided, single submitter. Criteria: Ambry Variant Classification Scheme 2023. Collection method: clinical testing. Allele origin: germline.
Comment: The c.830-2A>G intronic variant results from an A to G substitution two nucleotides upstream from coding exon 6 in the ATRIP gene. This nucleotide position is highly conserved in available vertebrate species. In silico splice site analysis predicts that this alteration will weaken the native splice acceptor site. The evidence for this gene-disease relationship is limited; therefore, the clinical significance of this variant is unclear.